The following is an entry in ClinVar:

NM_001122630.2(CDKN1C):c.34G>A (p.Val12Ile)

Gene: CDKN1C (cyclin dependent kinase inhibitor 1C; minus strand). Cytogenetic location: 11p15.4.
Variant type: single nucleotide variant.
Coding change: c.34G>A on transcript NM_001122630.2 (MANE Select); coding-DNA position 34, G replaced by A.
Protein change: p.Val12Ile; replaces valine 12 with isoleucine.
Molecular consequence: missense variant.
Genome position (GRCh38, 1-based): chr11:2,885,423, C>T on the plus strand (G>A on the coding strand, the complement: CDKN1C is on the minus strand). VCF-style: chr11-2885423-C-T. GRCh37 (hg19) VCF-style: chr11-2906653-C-T.
Other names: c.67G>A, p.Val23Ile (NM_000076.2, NM_001362474.2); c.34G>A, p.Val12Ile (NM_001122631.2, NM_001362475.2); short protein forms V12I, V23I.
Identifiers: ClinVar variation 5038396 (VCV005038396.1).

ClinVar aggregate classification (germline): Uncertain significance (1 of 4 stars; one submission).

Conditions:
Beckwith-Wiedemann syndrome (BWS). Also called: EMG SYNDROME; Exomphalos macroglossia gigantism syndrome. Identifiers: Orphanet 116, MedGen C0004903, MONDO:0007534, OMIM 130650.

Submission:

St. Jude Molecular Pathology, St. Jude Children's Research Hospital
Classification: Uncertain significance for Beckwith-Wiedemann syndrome. Last evaluated: 2026-10-01. Review status: criteria provided, single submitter. Criteria: St. Jude Assertion Criteria 2020. Collection method: clinical testing. Allele origin: germline.
Comment: The CDKN1C c.67G>A p.(Val23Ile) missense change is absent in gnomAD v2 .1.1. The in silico tool REVEL predicts a benign effect on protein function, but to our knowledge this prediction has not been confirmed by functional studies. To our knowledge, this variant has not been reported in in dividuals with Beckwith-Wiedemann syndrome or IMAGE syndrome. In summary, the evidence currently available is insufficient to determine the clinical significance of this variant. It has therefore been classified as of uncertain significance.